The following is an entry in ClinVar:

NM_004385.5(VCAN):c.1190C>T (p.Pro397Leu)

Gene: VCAN (versican; plus strand). Cytogenetic location: 5q14.3.
Variant type: single nucleotide variant.
Coding change: c.1190C>T on transcript NM_004385.5 (MANE Select); coding-DNA position 1190, C replaced by T.
Protein change: p.Pro397Leu; replaces proline 397 with leucine.
Molecular consequence: missense variant. On other transcripts: intron variant (2).
Genome position (GRCh38, 1-based): chr5:83,519,496, C>T. VCF-style: chr5-83519496-C-T. GRCh37 (hg19) VCF-style: chr5-82815315-C-T.
Other names: c.1190C>T, p.Pro397Leu (NM_001164098.2); c.1042+7100C>T (NM_001164097.2, NM_001126336.3); short protein forms P397L.
Identifiers: ClinVar variation 1476791 (VCV001476791.6), dbSNP rs2112406348, ClinGen allele CA360299326.

ClinVar aggregate classification (germline): Uncertain significance (1 of 4 stars; one submission).

Allele frequency attached by ClinVar (database versions not stated): gnomAD exomes below 0.00001.
gnomAD v4.1: 1 of 1,614,148 alleles (0.000062%); highest among the groups gnomAD compares: Non-Finnish European, 0.000085%; no homozygotes.

Submission:

Labcorp Genetics (formerly Invitae), Labcorp
Classification: Uncertain significance. Last evaluated: 2024-02-24. Review status: criteria provided, single submitter. Criteria: Invitae Variant Classification Sherloc (09022015). Collection method: clinical testing. Allele origin: germline.
Comment: This sequence change replaces proline, which is neutral and non-polar, with leucine, which is neutral and non-polar, at codon 397 of the VCAN protein (p.Pro397Leu). This variant is not present in population databases (gnomAD no frequency). This variant has not been reported in the literature in individuals affected with VCAN-related conditions. ClinVar contains an entry for this variant (Variation ID: 1476791). An algorithm developed to predict the effect of missense changes on protein structure and function (PolyPhen-2) suggests that this variant is likely to be disruptive. In summary, the available evidence is currently insufficient to determine the role of this variant in disease. Therefore, it has been classified as a Variant of Uncertain Significance.